The following is an entry in ClinVar:

ClinVar aggregate classification (germline): Likely benign (1 of 4 stars; one submission).

Allele frequency attached by ClinVar (database versions not stated): gnomAD 0.00002; TOPMed 0.00003; ExAC 0.00005.
gnomAD v4.1: 55 of 1,564,648 alleles (0.0035%); highest among the groups gnomAD compares: Middle Eastern, 0.017%; no homozygotes.

Submission:

CeGaT Center for Human Genetics Tuebingen
Classification: Likely benign. Last evaluated: 2022-08-01. Review status: criteria provided, single submitter. Criteria: CeGaT Center For Human Genetics Tuebingen Variant Classification Criteria Version 2. Collection method: clinical testing. Allele origin: germline. Affected: yes. Observed: 1 variant allele.
Comment: ZFPM1: BP4, BP7

NM_153813.3(ZFPM1):c.282G>A (p.Pro94=)

Genes: ZFPM1 (zinc finger protein, FOG family member 1; plus strand), ZFPM1-AS1 (ZFPM1 antisense RNA 1; minus strand). Cytogenetic location: 16q24.2.
Variant type: single nucleotide variant.
Coding change: c.282G>A on transcript NM_153813.3 (MANE Select); coding-DNA position 282, G replaced by A.
Protein change: p.Pro94=; no amino-acid change (proline 94 retained).
Molecular consequence: synonymous variant.
Genome position (GRCh38, 1-based): chr16:88,514,400, G>A. VCF-style: chr16-88514400-G-A. GRCh37 (hg19) VCF-style: chr16-88580808-G-A.
Identifiers: ClinVar variation 2646974 (VCV002646974.24), dbSNP rs769825796, ClinGen allele CA8225815.